The following is an entry in ClinVar:

NM_006270.5(RRAS):c.98T>C (p.Val33Ala)

Gene: RRAS (RAS related; minus strand). Cytogenetic location: 19q13.33.
Variant type: single nucleotide variant.
Coding change: c.98T>C on transcript NM_006270.5 (MANE Select); coding-DNA position 98, T replaced by C.
Protein change: p.Val33Ala; replaces valine 33 with alanine.
Molecular consequence: missense variant.
Genome position (GRCh38, 1-based): chr19:49,640,001, A>G on the plus strand (T>C on the coding strand, the complement: RRAS is on the minus strand). VCF-style: chr19-49640001-A-G. GRCh37 (hg19) VCF-style: chr19-50143258-A-G.
Other names: short protein forms V33A.
Identifiers: ClinVar variation 1359639 (VCV001359639.8), dbSNP rs2122429748, ClinGen allele CA406849647.

ClinVar aggregate classification (germline): Uncertain significance (1 of 4 stars; one submission).

Conditions:
Noonan syndrome (NS). Also called: Noonan's syndrome. Identifiers: Orphanet 648, MedGen C0028326, MeSH D009634, MONDO:0018997. Disease mechanism: gain of function.

Allele frequency attached by ClinVar (database versions not stated): gnomAD exomes below 0.00001.
gnomAD v4.1: 1 of 1,583,270 alleles (0.000063%); highest among the groups gnomAD compares: Admixed American, 0.0017%; no homozygotes.

Submission:

Labcorp Genetics (formerly Invitae), Labcorp
Classification: Uncertain significance for Noonan syndrome. Last evaluated: 2020-12-11. Review status: criteria provided, single submitter. Criteria: Invitae Variant Classification Sherloc (09022015). Collection method: clinical testing. Allele origin: germline.
Comment: In summary, the available evidence is currently insufficient to determine the role of this variant in disease. Therefore, it has been classified as a Variant of Uncertain Significance. Algorithms developed to predict the effect of missense changes on protein structure and function are either unavailable or do not agree on the potential impact of this missense change (SIFT: "Deleterious"; PolyPhen-2: "Probably Damaging"; Align-GVGD: "Class C0"). This variant has not been reported in the literature in individuals with RRAS-related conditions. This variant is not present in population databases (ExAC no frequency). This sequence change replaces valine with alanine at codon 33 of the RRAS protein (p.Val33Ala). The valine residue is highly conserved and there is a small physicochemical difference between valine and alanine.